The following is an entry in ClinVar:

NM_003105.6(SORL1):c.4669A>G (p.Lys1557Glu)

Gene: SORL1 (sortilin related receptor 1; plus strand). Cytogenetic location: 11q24.1.
Variant type: single nucleotide variant.
Coding change: c.4669A>G on transcript NM_003105.6 (MANE Select); coding-DNA position 4669, A replaced by G.
Protein change: p.Lys1557Glu; replaces lysine 1557 with glutamic acid.
Molecular consequence: missense variant.
Genome position (GRCh38, 1-based): chr11:121,605,130, A>G. VCF-style: chr11-121605130-A-G. GRCh37 (hg19) VCF-style: chr11-121475839-A-G.
Other names: short protein forms K1557E.
Identifiers: ClinVar variation 3167613 (VCV003167613.3), dbSNP rs1409617040, ClinGen allele CA383038409.
Genomic context (GRCh38, chr11:121,605,130, plus strand): 5'-CAAGATGTAACTTTGTTTGTCTTTTTCTCCTTTATCTCTCTAGATGAGTTGACTGTGTAC[A>G]AAGTACAGAATCTTCAGTGGACAGCTGACTTCTCTGGGGATGTGACTTTGACCTGGATGA-3'
Protein context (NP_003096.2, residues 1547-1567): KACSDELTVY[Lys1557Glu]VQNLQWTADF

ClinVar aggregate classification (germline): Uncertain significance. Review status: criteria provided, multiple submitters, no conflicts (2 of 4 stars). 2 submissions from 2 submitters: Uncertain significance (2). Last evaluated 2024-12-17.

Allele frequency attached by ClinVar (database versions not stated): gnomAD exomes below 0.00001; TOPMed below 0.00001; gnomAD 0.00001.

Submissions (2):

Labcorp Genetics (formerly Invitae), Labcorp
Classification: Uncertain significance. Last evaluated: 2024-12-17. Review status: criteria provided, single submitter. Criteria: Invitae Variant Classification Sherloc (09022015). Collection method: clinical testing. Allele origin: germline.
Comment: This sequence change replaces lysine, which is basic and polar, with glutamic acid, which is acidic and polar, at codon 1557 of the SORL1 protein (p.Lys1557Glu). This variant is present in population databases (no rsID available, gnomAD 0.0009%). This variant has not been reported in the literature in individuals affected with SORL1-related conditions. ClinVar contains an entry for this variant (Variation ID: 3167613). An algorithm developed to predict the effect of missense changes on protein structure and function (PolyPhen-2) suggests that this variant is likely to be disruptive. In summary, the available evidence is currently insufficient to determine the role of this variant in disease. Therefore, it has been classified as a Variant of Uncertain Significance.

Ambry Genetics
Classification: Uncertain significance. Last evaluated: 2024-01-30. Review status: criteria provided, single submitter. Criteria: Ambry Variant Classification Scheme 2023. Collection method: clinical testing. Allele origin: germline.